The following is an entry in ClinVar:

NM_012448.4(STAT5B):c.1332T>A (p.Phe444Leu)

Gene: STAT5B (signal transducer and activator of transcription 5B; minus strand). Cytogenetic location: 17q21.2.
Variant type: single nucleotide variant.
Coding change: c.1332T>A on transcript NM_012448.4 (MANE Select); coding-DNA position 1332, T replaced by A.
Protein change: p.Phe444Leu; replaces phenylalanine 444 with leucine.
Molecular consequence: missense variant.
Genome position (GRCh38, 1-based): chr17:42,217,208, A>T on the plus strand (T>A on the coding strand, the complement: STAT5B is on the minus strand). VCF-style: chr17-42217208-A-T. GRCh37 (hg19) VCF-style: chr17-40369226-A-T.
Other names: short protein forms F444L.
Identifiers: ClinVar variation 4736910 (VCV004736910.1).

ClinVar aggregate classification (germline): Uncertain significance (1 of 4 stars; one submission).

Conditions:
Growth hormone insensitivity with immune dysregulation 1, autosomal recessive. Also called: GROWTH HORMONE INSENSITIVITY DUE TO POSTRECEPTOR DEFECT; LARON SYNDROME DUE TO POSTRECEPTOR DEFECT; GROWTH HORMONE INSENSITIVITY SYNDROME WITH IMMUNE DYSREGULATION 1, AUTOSOMAL RECESSIVE; Laron syndrome with immunodeficiency. Identifiers: Orphanet 220465, MedGen C5435698, MONDO:0100211, OMIM 245590.

Submission:

Labcorp Genetics (formerly Invitae), Labcorp
Classification: Uncertain significance for Growth hormone insensitivity with immune dysregulation 1, autosomal recessive. Last evaluated: 2026-01-12. Review status: criteria provided, single submitter. Criteria: Invitae Variant Classification Sherloc (09022015). Collection method: clinical testing. Allele origin: germline.
Comment: This sequence change replaces phenylalanine, which is neutral and non-polar, with leucine, which is neutral and non-polar, at codon 444 of the STAT5B protein (p.Phe444Leu). This variant is not present in population databases (gnomAD no frequency). This variant has not been reported in the literature in individuals affected with STAT5B-related conditions. Invitae Evidence Modeling of protein sequence and biophysical properties (such as structural, functional, and spatial information, amino acid conservation, physicochemical variation, residue mobility, and thermodynamic stability) indicates that this missense variant is expected to disrupt STAT5B protein function with a positive predictive value of 80%. In summary, the available evidence is currently insufficient to determine the role of this variant in disease. Therefore, it has been classified as a Variant of Uncertain Significance.